The following is an entry in ClinVar:

NM_000548.5(TSC2):c.4701C>G (p.Gly1567=)

Gene: TSC2 (TSC complex subunit 2; plus strand). Cytogenetic location: 16p13.3.
Variant type: single nucleotide variant.
Coding change: c.4701C>G on transcript NM_000548.5 (MANE Select); coding-DNA position 4701, C replaced by G.
Protein change: p.Gly1567=; no amino-acid change (glycine 1567 retained).
Molecular consequence: synonymous variant.
Genome position (GRCh38, 1-based): chr16:2,086,231, C>G. VCF-style: chr16-2086231-C-G. GRCh37 (hg19) VCF-style: chr16-2136232-C-G.
Other names: c.4500C>G, p.Gly1500= (NM_001077183.3); c.4632C>G, p.Gly1544= (NM_001114382.3); c.4392C>G, p.Gly1464= (NM_001318827.2); c.4356C>G, p.Gly1452= (NM_001318829.2); c.3969C>G, p.Gly1323= (NM_001318831.2); c.4533C>G, p.Gly1511= (NM_001318832.2); c.4503C>G, p.Gly1501= (NM_001363528.2); c.4569C>G, p.Gly1523= (NM_001370404.1); and 1 more.
Identifiers: ClinVar variation 702945 (VCV000702945.18), dbSNP rs763804965, ClinGen allele CA276756153.

ClinVar aggregate classification (germline): Benign/Likely benign. Review status: criteria provided, multiple submitters, no conflicts (2 of 4 stars). 5 submissions from 5 submitters: Benign (2); Likely benign (3). Last evaluated 2025-07-22.

Conditions:
Hereditary cancer-predisposing syndrome. Also called: Tumor predisposition; Hereditary neoplastic syndrome; Neoplastic Syndromes, Hereditary; Hereditary Cancer Syndrome. Identifiers: Orphanet 140162, MedGen C0027672, MeSH D009386, MONDO:0015356.
Tuberous sclerosis syndrome (TSC). Also called: Tuberous Sclerosis Complex; Tuberous sclerosis. Identifiers: Orphanet 805, MedGen C0041341, MONDO:0001734.
Tuberous sclerosis 2 (TSC2). Identifiers: Orphanet 805, MedGen C1860707, MONDO:0013199, OMIM 613254.

gnomAD v4.1: 4 of 1,612,744 alleles (0.00025%); highest among the groups gnomAD compares: Middle Eastern, 0.016%; no homozygotes.

Submissions (5):

Labcorp Genetics (formerly Invitae), Labcorp
Classification: Likely benign for Tuberous sclerosis 2. Last evaluated: 2025-07-22. Review status: criteria provided, single submitter. Criteria: Invitae Variant Classification Sherloc (09022015). Collection method: clinical testing. Allele origin: germline.

Myriad Genetics, Inc.
Classification: Benign for Tuberous sclerosis 2. Last evaluated: 2025-06-04. Review status: criteria provided, single submitter. Criteria: Myriad Autosomal Dominant, Autosomal Recessive and X-Linked Classification Criteria (2023). Collection method: clinical testing. Allele origin: unknown.
Comment: This variant is considered benign. This variant is a silent/synonymous amino acid change and it is not expected to impact splicing.

Color Diagnostics, LLC DBA Color Health
Classification: Likely benign for Tuberous sclerosis syndrome. Last evaluated: 2022-11-06. Review status: criteria provided, single submitter. Criteria: ACMG Guidelines, 2015. Collection method: clinical testing. Allele origin: germline.

Genome-Nilou Lab
Classification: Benign for Tuberous sclerosis 2. Last evaluated: 2021-11-07. Review status: criteria provided, single submitter. Criteria: ACMG Guidelines, 2015. Collection method: clinical testing. Allele origin: germline. Affected: no.

Ambry Genetics
Classification: Likely benign for Hereditary cancer-predisposing syndrome. Last evaluated: 2018-01-11. Review status: criteria provided, single submitter. Criteria: Ambry Variant Classification Scheme 2023. Collection method: clinical testing. Allele origin: germline.